The following is an entry in ClinVar:

ClinVar aggregate classification (germline): Likely benign. Review status: criteria provided, multiple submitters, no conflicts (2 of 4 stars). 2 submissions from 2 submitters: Likely benign (2). Last evaluated 2025-04-17.

Conditions:
Neuropathy, hereditary sensory, type 2C. Also called: KIF1A-Related HSAN2 (HSAN2C); Hereditary sensory and autonomic neuropathy type IIC. Identifiers: Orphanet 970, MedGen C3280168, MONDO:0013634, OMIM 614213.
Intellectual disability, autosomal dominant 9 (NESCAVS). Also called: NESCAV SYNDROME; KIF1A-Related Neurodevelopmental Disorder. Identifiers: Orphanet 662367, MedGen C5393830, MONDO:0013656, OMIM 614255.
Hereditary spastic paraplegia 30. Identifiers: Orphanet 101010, MedGen C5235139, MONDO:0012476.

Allele frequency attached by ClinVar (database versions not stated): gnomAD exomes below 0.00001 and 0.00001; gnomAD 0.00002; TOPMed 0.00003; ESP Exome Variant Server 0.00016.
gnomAD v4.1: 6 of 1,612,220 alleles (0.00037%); highest among the groups gnomAD compares: Non-Finnish European, 0.00051%; no homozygotes.

Submissions (2):

Labcorp Genetics (formerly Invitae), Labcorp
Classification: Likely benign for Hereditary spastic paraplegia 30; Neuropathy, hereditary sensory, type 2C; Intellectual disability, autosomal dominant 9. Last evaluated: 2025-04-17. Review status: criteria provided, single submitter. Criteria: Invitae Variant Classification Sherloc (09022015). Collection method: clinical testing. Allele origin: germline.

CeGaT Center for Human Genetics Tuebingen
Classification: Likely benign. Last evaluated: 2024-10-01. Review status: criteria provided, single submitter. Criteria: CeGaT Center For Human Genetics Tuebingen Variant Classification Criteria Version 2. Collection method: clinical testing. Allele origin: germline. Affected: yes. Observed: 1 variant allele.
Comment: KIF1A: BP4, BP7

NM_001244008.2(KIF1A):c.2562C>G (p.Pro854=)

Gene: KIF1A (kinesin family member 1A; minus strand). Cytogenetic location: 2q37.3.
Variant type: single nucleotide variant.
Coding change: c.2562C>G on transcript NM_001244008.2 (MANE Select); coding-DNA position 2562, C replaced by G.
Protein change: p.Pro854=; no amino-acid change (proline 854 retained).
Molecular consequence: synonymous variant.
Genome position (GRCh38, 1-based): chr2:240,758,380, G>C on the plus strand (C>G on the coding strand, the complement: KIF1A is on the minus strand). VCF-style: chr2-240758380-G-C. GRCh37 (hg19) VCF-style: chr2-241697797-G-C.
Other names: c.2562C>G, p.Pro854= (NM_001320705.2, NM_001330289.2, NM_001379638.1); c.2637C>G, p.Pro879= (NM_001330290.2, NM_001379631.1, NM_001379634.1 and 2 more transcripts); c.2535C>G, p.Pro845= (NM_001379632.1, NM_001379633.1, NM_001379636.1 and 10 more transcripts); c.2610C>G, p.Pro870= (NM_001379637.1, NM_001379648.1).
Identifiers: ClinVar variation 757779 (VCV000757779.25), dbSNP rs375824464, ClinGen allele CA68170576.